The following is an entry in ClinVar:

NM_000302.4(PLOD1):c.1744G>C (p.Gly582Arg)

Gene: PLOD1 (procollagen-lysine,2-oxoglutarate 5-dioxygenase 1; plus strand). Cytogenetic location: 1p36.22.
Variant type: single nucleotide variant.
Coding change: c.1744G>C on transcript NM_000302.4 (MANE Select); coding-DNA position 1744, G replaced by C.
Protein change: p.Gly582Arg; replaces glycine 582 with arginine.
Molecular consequence: missense variant.
Genome position (GRCh38, 1-based): chr1:11,967,080, G>C. VCF-style: chr1-11967080-G-C. GRCh37 (hg19) VCF-style: chr1-12027137-G-C.
Other names: c.1885G>C, p.Gly629Arg (NM_001316320.2); short protein forms G629R, G582R.
Identifiers: ClinVar variation 3890561 (VCV003890561.1).

ClinVar aggregate classification (germline): Uncertain significance (1 of 4 stars; one submission).

Conditions:
Familial thoracic aortic aneurysm and aortic dissection (TAAD). Also called: Thoracic aortic aneurysms and dissections. Identifiers: Orphanet 91387, MedGen C4707243, MONDO:0019625.

Submission:

Ambry Genetics
Classification: Uncertain significance for Familial thoracic aortic aneurysm and aortic dissection. Last evaluated: 2025-02-06. Review status: criteria provided, single submitter. Criteria: Ambry Variant Classification Scheme 2023. Collection method: clinical testing. Allele origin: germline.
Comment: The p.G582R variant (also known as c.1744G>C), located in coding exon 16 of the PLOD1 gene, results from a G to C substitution at nucleotide position 1744. The glycine at codon 582 is replaced by arginine, an amino acid with dissimilar properties. This amino acid position is conserved. In addition, this alteration is predicted to be deleterious by in silico analysis. Based on the available evidence, the clinical significance of this variant remains unclear.